The following is an entry in ClinVar:

ClinVar aggregate classification (germline): Uncertain significance. Review status: criteria provided, multiple submitters, no conflicts (2 of 4 stars). 4 submissions from 4 submitters: Uncertain significance (4). Last evaluated 2025-10-05.

Conditions:
Cardiovascular phenotype. Identifiers: MedGen CN230736.
Hypertrophic cardiomyopathy 14. Identifiers: MedGen C2750467, MONDO:0013197, OMIM 613251.
Primary familial hypertrophic cardiomyopathy (HCM). Identifiers: Orphanet 99739, MedGen C0949658, MeSH D024741, MONDO:0024573. Inheritance: Various modes of inheritance.

Allele frequency attached by ClinVar (database versions not stated): gnomAD exomes 0.00003; ExAC 0.00006.

Submissions (4):

Ambry Genetics
Classification: Uncertain significance for Cardiovascular phenotype. Last evaluated: 2025-10-05. Review status: criteria provided, single submitter. Criteria: Ambry Variant Classification Scheme 2023. Collection method: clinical testing. Allele origin: germline.
Comment: The p.R1783H variant (also known as c.5348G>A), located in coding exon 34 of the MYH6 gene, results from a G to A substitution at nucleotide position 5348. The arginine at codon 1783 is replaced by histidine, an amino acid with highly similar properties. This amino acid position is highly conserved in available vertebrate species. In addition, this alteration is predicted to be deleterious by in silico analysis. Since supporting evidence is limited at this time, the clinical significance of this alteration remains unclear.

Labcorp Genetics (formerly Invitae), Labcorp
Classification: Uncertain significance for Hypertrophic cardiomyopathy 14. Last evaluated: 2025-07-09. Review status: criteria provided, single submitter. Criteria: Invitae Variant Classification Sherloc (09022015). Collection method: clinical testing. Allele origin: germline.
Comment: This sequence change replaces arginine, which is basic and polar, with histidine, which is basic and polar, at codon 1783 of the MYH6 protein (p.Arg1783His). This variant is present in population databases (rs745473249, gnomAD 0.007%). This variant has not been reported in the literature in individuals affected with MYH6-related conditions. ClinVar contains an entry for this variant (Variation ID: 263508). Invitae Evidence Modeling of protein sequence and biophysical properties (such as structural, functional, and spatial information, amino acid conservation, physicochemical variation, residue mobility, and thermodynamic stability) indicates that this missense variant is not expected to disrupt MYH6 protein function with a negative predictive value of 80%. In summary, the available evidence is currently insufficient to determine the role of this variant in disease. Therefore, it has been classified as a Variant of Uncertain Significance.

Blueprint Genetics
Classification: Uncertain significance. Last evaluated: 2024-05-23. Review status: criteria provided, single submitter. Criteria: ACMG Guidelines, 2015. Collection method: clinical testing. Allele origin: germline.

Molecular Diagnostic Laboratory for Inherited Cardiovascular Disease, Montreal Heart Institute
Classification: Uncertain significance for Primary familial hypertrophic cardiomyopathy. Last evaluated: 2016-09-29. Review status: criteria provided, single submitter. Criteria: ACMG Guidelines, 2015. Collection method: clinical testing. Allele origin: germline. Affected: yes.

NM_002471.4(MYH6):c.5348G>A (p.Arg1783His)

Gene: MYH6 (myosin heavy chain 6; minus strand). Cytogenetic location: 14q11.2.
Variant type: single nucleotide variant.
Coding change: c.5348G>A on transcript NM_002471.4 (MANE Select); coding-DNA position 5348, G replaced by A.
Protein change: p.Arg1783His; replaces arginine 1783 with histidine.
Molecular consequence: missense variant.
Genome position (GRCh38, 1-based): chr14:23,384,659, C>T on the plus strand (G>A on the coding strand, the complement: MYH6 is on the minus strand). VCF-style: chr14-23384659-C-T. GRCh37 (hg19) VCF-style: chr14-23853868-C-T.
Other names: short protein forms R1783H.
Identifiers: ClinVar variation 263508 (VCV000263508.17), dbSNP rs745473249, ClinGen allele CA7114450.